The following is an entry in ClinVar:

NM_001163435.3(TBCK):c.2159C>T (p.Ser720Phe)

Gene: TBCK (TBC1 domain containing kinase; minus strand). Cytogenetic location: 4q24.
Variant type: single nucleotide variant.
Coding change: c.2159C>T on transcript NM_001163435.3 (MANE Select); coding-DNA position 2159, C replaced by T.
Protein change: p.Ser720Phe; replaces serine 720 with phenylalanine.
Molecular consequence: missense variant.
Genome position (GRCh38, 1-based): chr4:106,171,171, G>A on the plus strand (C>T on the coding strand, the complement: TBCK is on the minus strand). VCF-style: chr4-106171171-G-A. GRCh37 (hg19) VCF-style: chr4-107092328-G-A.
Other names: NM_001163435.3(TBCK):c.2159C>T; p.Ser720Phe; c.2159C>T, p.Ser720Phe (NM_001163436.4); c.2042C>T, p.Ser681Phe (NM_001163437.3); c.1643C>T, p.Ser548Phe (NM_001290768.2); c.1970C>T, p.Ser657Phe (NM_033115.5); short protein forms S657F, S548F, S681F, S720F.
Identifiers: ClinVar variation 915385 (VCV000915385.16), dbSNP rs370050799, ClinGen allele CA3034783.

ClinVar aggregate classification (germline): Conflicting classifications of pathogenicity. Review status: criteria provided, conflicting classifications (1 of 4 stars). 5 submissions from 5 submitters: Likely pathogenic (1); Uncertain significance (4). Last evaluated 2025-09-02.

Conditions:
Hypotonia, infantile, with psychomotor retardation and characteristic facies 3 (IHPRF3). Also called: TBCK-Related Neurodevelopmental Disorder. Identifiers: Orphanet 488632, MedGen C5567480, MONDO:0014823, OMIM 616900.

Allele frequency attached by ClinVar (database versions not stated): gnomAD 0.00001 and 0.00005; TOPMed 0.00001; ExAC 0.00006; gnomAD exomes 0.00006; ESP Exome Variant Server 0.00008; 1000 Genomes Project 30x 0.00016; 1000 Genomes Project 0.00020.
gnomAD v4.1: 48 of 1,612,880 alleles (0.003%); highest among the groups gnomAD compares: Middle Eastern, 0.05%; no homozygotes.

Submissions (5):

Women's Health and Genetics/Laboratory Corporation of America, LabCorp
Classification: Uncertain significance. Last evaluated: 2025-09-02. Review status: criteria provided, single submitter. Criteria: LabCorp Variant Classification Summary - May 2015. Collection method: clinical testing. Allele origin: germline.
Comment: Variant summary: TBCK c.2159C>T (p.Ser720Phe) results in a non-conservative amino acid change in the encoded protein sequence. Algorithms developed to predict the effect of missense changes on protein structure and function are either unavailable or do not agree on the potential impact of this missense change. The variant allele was found at a frequency of 5.6e-05 in 249796 control chromosomes. This frequency is not significantly higher than estimated for disease-causing variants in TBCK, allowing no conclusion about variant significance. To our knowledge, no occurrence of c.2159C>T in individuals affected with TBCK-related conditions and no experimental evidence demonstrating its impact on protein function have been reported. ClinVar contains an entry for this variant (Variation ID: 915385). Based on the evidence outlined above, the variant was classified as uncertain significance.

Broad Center for Mendelian Genomics, Broad Institute of MIT and Harvard
Classification: Uncertain significance for Hypotonia, infantile, with psychomotor retardation and characteristic facies 3. Last evaluated: 2025-01-13. Review status: criteria provided, single submitter. Criteria: ACMG Guidelines, 2015. Collection method: curation. Allele origin: germline. Inheritance: Autosomal recessive inheritance.
Comment: The p.Ser720Phe variant in TBCK has not been previously reported in the literature in individuals with TBCK-related intellectual disability syndrome, but has been identified in 0.03% (29/90884) of South Asian chromosomes by the Genome Aggregation Database (gnomAD; dbSNP ID: rs370050799). Although this variant has been seen in the general population in a heterozygous state, its frequency is not high enough to rule out a pathogenic role. This variant has also been reported in ClinVar (Variation ID: 915385) and has been interpreted as likely pathogenic by Genomic Research Center (Shahid Beheshti University of Medical Sciences) and a variant of uncertain significance by Revvity Omics and Invitae. Computational prediction tools, including splice predictors and conservation analyses suggest that this variant may not impact the protein, though this information is not predictive enough to rule out pathogenicity. In summary, the clinical significance of the p.Ser720Phe variant is uncertain. ACMG/AMP Criteria applied: BP4 (Richards 2015).

Labcorp Genetics (formerly Invitae), Labcorp
Classification: Uncertain significance. Last evaluated: 2024-01-29. Review status: criteria provided, single submitter. Criteria: Invitae Variant Classification Sherloc (09022015). Collection method: clinical testing. Allele origin: germline.
Comment: This sequence change replaces serine, which is neutral and polar, with phenylalanine, which is neutral and non-polar, at codon 720 of the TBCK protein (p.Ser720Phe). This variant is present in population databases (rs370050799, gnomAD 0.03%). This variant has not been reported in the literature in individuals affected with TBCK-related conditions. ClinVar contains an entry for this variant (Variation ID: 915385). Advanced modeling of protein sequence and biophysical properties (such as structural, functional, and spatial information, amino acid conservation, physicochemical variation, residue mobility, and thermodynamic stability) performed at Invitae indicates that this missense variant is not expected to disrupt TBCK protein function with a negative predictive value of 80%. In summary, the available evidence is currently insufficient to determine the role of this variant in disease. Therefore, it has been classified as a Variant of Uncertain Significance.

Genomic Research Center, Shahid Beheshti University of Medical Sciences
Classification: Likely pathogenic for Hypotonia, infantile, with psychomotor retardation and characteristic facies 3. Last evaluated: 2020-05-03. Review status: criteria provided, single submitter. Criteria: ACMG Guidelines, 2015. Collection method: clinical testing. Allele origin: unknown. Affected: yes.

Revvity Omics, Revvity
Classification: Uncertain significance for Hypotonia, infantile, with psychomotor retardation and characteristic facies 3. Last evaluated: 2019-04-29. Review status: criteria provided, single submitter. Criteria: ACMG Guidelines, 2015. Collection method: clinical testing. Allele origin: germline.